The following is an entry in ClinVar:

NM_005263.5(GFI1):c.103C>G (p.Pro35Ala)

Gene: GFI1 (growth factor independent 1 transcriptional repressor; minus strand). Cytogenetic location: 1p22.1.
Variant type: single nucleotide variant.
Coding change: c.103C>G on transcript NM_005263.5 (MANE Select); coding-DNA position 103, C replaced by G.
Protein change: p.Pro35Ala; replaces proline 35 with alanine.
Molecular consequence: missense variant.
Genome position (GRCh38, 1-based): chr1:92,483,385, G>C on the plus strand (C>G on the coding strand, the complement: GFI1 is on the minus strand). VCF-style: chr1-92483385-G-C. GRCh37 (hg19) VCF-style: chr1-92948942-G-C.
Other names: c.103C>G, p.Pro35Ala (NM_001127215.3, NM_001127216.3); short protein forms P35A.
Identifiers: ClinVar variation 3611356 (VCV003611356.3).

ClinVar aggregate classification (germline): Uncertain significance. Review status: criteria provided, multiple submitters, no conflicts (2 of 4 stars). 2 submissions from 2 submitters: Uncertain significance (2). Last evaluated 2025-03-18.

Conditions:
Neutropenia, severe congenital, 2, autosomal dominant. Identifiers: Orphanet 486, MedGen C2751288, MONDO:0013139, OMIM 613107.

gnomAD v4.1: 3 of 1,605,178 alleles (0.00019%); highest among the groups gnomAD compares: Non-Finnish European, 0.00017%; no homozygotes.

Submissions (2):

Ambry Genetics
Classification: Uncertain significance. Last evaluated: 2025-03-18. Review status: criteria provided, single submitter. Criteria: Ambry Variant Classification Scheme 2023. Collection method: clinical testing. Allele origin: germline.
Comment: The p.P35A variant (also known as c.103C>G), located in coding exon 1 of the GFI1 gene, results from a C to G substitution at nucleotide position 103. The proline at codon 35 is replaced by alanine, an amino acid with highly similar properties. This amino acid position is conserved. In addition, this alteration is predicted to be tolerated by in silico analysis. Based on the available evidence, the clinical significance of this variant remains unclear.

Labcorp Genetics (formerly Invitae), Labcorp
Classification: Uncertain significance for Neutropenia, severe congenital, 2, autosomal dominant. Last evaluated: 2024-10-20. Review status: criteria provided, single submitter. Criteria: Invitae Variant Classification Sherloc (09022015). Collection method: clinical testing. Allele origin: germline.
Comment: This sequence change replaces proline, which is neutral and non-polar, with alanine, which is neutral and non-polar, at codon 35 of the GFI1 protein (p.Pro35Ala). This variant is not present in population databases (gnomAD no frequency). This variant has not been reported in the literature in individuals affected with GFI1-related conditions. Invitae Evidence Modeling of protein sequence and biophysical properties (such as structural, functional, and spatial information, amino acid conservation, physicochemical variation, residue mobility, and thermodynamic stability) indicates that this missense variant is not expected to disrupt GFI1 protein function with a negative predictive value of 80%. In summary, the available evidence is currently insufficient to determine the role of this variant in disease. Therefore, it has been classified as a Variant of Uncertain Significance.